The following is an entry in ClinVar:

ClinVar aggregate classification (germline): Uncertain significance. Review status: criteria provided, multiple submitters, no conflicts (2 of 4 stars). 2 submissions from 2 submitters: Uncertain significance (2). Last evaluated 2026-01-02.

Conditions:
Inborn genetic diseases. Identifiers: MedGen C0950123, MeSH D030342.

Allele frequency attached by ClinVar (database versions not stated): ESP Exome Variant Server 0.00008.

Submissions (2):

Labcorp Genetics (formerly Invitae), Labcorp
Classification: Uncertain significance. Last evaluated: 2026-01-02. Review status: criteria provided, single submitter. Criteria: Invitae Variant Classification Sherloc (09022015). Collection method: clinical testing. Allele origin: germline.
Comment: This sequence change replaces proline, which is neutral and non-polar, with alanine, which is neutral and non-polar, at codon 777 of the CSF2RB protein (p.Pro777Ala). This variant is present in population databases (rs369426735, gnomAD 0.004%). This variant has not been reported in the literature in individuals affected with CSF2RB-related conditions. ClinVar contains an entry for this variant (Variation ID: 2169424). Invitae Evidence Modeling of protein sequence and biophysical properties (such as structural, functional, and spatial information, amino acid conservation, physicochemical variation, residue mobility, and thermodynamic stability) indicates that this missense variant is not expected to disrupt CSF2RB protein function with a negative predictive value of 80%. In summary, the available evidence is currently insufficient to determine the role of this variant in disease. Therefore, it has been classified as a Variant of Uncertain Significance.

Ambry Genetics
Classification: Uncertain significance for Inborn genetic diseases. Last evaluated: 2023-05-24. Review status: criteria provided, single submitter. Criteria: Ambry Variant Classification Scheme 2023. Collection method: clinical testing. Allele origin: germline.

NM_000395.3(CSF2RB):c.2329C>G (p.Pro777Ala)

Gene: CSF2RB (colony stimulating factor 2 receptor subunit beta; plus strand). Cytogenetic location: 22q12.3.
Variant type: single nucleotide variant.
Coding change: c.2329C>G on transcript NM_000395.3 (MANE Select); coding-DNA position 2329, C replaced by G.
Protein change: p.Pro777Ala; replaces proline 777 with alanine.
Molecular consequence: missense variant.
Genome position (GRCh38, 1-based): chr22:36,938,137, C>G. VCF-style: chr22-36938137-C-G. GRCh37 (hg19) VCF-style: chr22-37334179-C-G.
Other names: c.2329C>G (NM_000395.2); c.2347C>G, p.Pro783Ala (NM_001410827.1); short protein forms P783A, P777A.
Identifiers: ClinVar variation 2169424 (VCV002169424.6), dbSNP rs369426735, ClinGen allele CA10214092.